The following is an entry in ClinVar:

NM_017780.4(CHD7):c.8518del (p.Thr2840fs)

Gene: CHD7 (chromodomain helicase DNA binding protein 7; plus strand). Cytogenetic location: 8q12.2.
Variant type: Deletion.
Coding change: c.8518del on transcript NM_017780.4 (MANE Select); coding-DNA position 8518, one base deleted (A; older notation c.8518delA).
Protein change: p.Thr2840fs; shifts the reading frame from threonine 2840.
Molecular consequence: frameshift variant.
Genome position (GRCh38, 1-based): chr8:60,865,457, A deleted. VCF-style (leftmost placement, unchanged base first): chr8-60865456-CA-C. GRCh37 (hg19) VCF-style: chr8-61778015-CA-C.
Other names: c.8518del (LRG_176t1); c.2371del, p.Thr791fs (NM_001316690.1); short protein forms T2840fs, T791fs.
Identifiers: ClinVar variation 419129 (VCV000419129.2), dbSNP rs1064793664, ClinGen allele CA16618686.

ClinVar aggregate classification (germline): Pathogenic (1 of 4 stars; one submission).

Submission:

GeneDx
Classification: Pathogenic. Last evaluated: 2015-06-04. Review status: criteria provided, single submitter. Criteria: GeneDx Variant Classification (06012015). Collection method: clinical testing. Allele origin: germline. Affected: yes.
Comment: The c.8518delA deletion in the CHD7 gene causes a frameshift starting with codon Threonine 2840,changes this amino acid to a Leucine residue and creates a premature Stop codon at position 49 of the newreading frame, denoted p.Thr2840LeufsX49. This variant is predicted to cause loss of normal proteinfunction through protein truncation. Although this variant has not been previously reported to ourknowledge, we interpret it as pathogenic.